The following is an entry in ClinVar:

ClinVar aggregate classification (germline): Uncertain significance (1 of 4 stars; one submission).

Submission:

OLLIN Analises Genomicas, OLLIN
Classification: Uncertain significance. Last evaluated: 2026-08-06. Review status: criteria provided, single submitter. Criteria: ACMG Guidelines 2015 PMID 25741868. Collection method: clinical testing. Allele origin: germline.
Comment: This in-frame deletion, located in exon 14 (of 23), has been observed in gnomAD with an allele frequency of 0.000062%, but has not been reported in ClinVar or identified in the literature. This variant removes 1 amino acid, preserving the reading frame and leading to a reduced protein length. According to the currently available evidence, this variant has been classified as uncertain significance (PM2_P, PM4).

NM_001281775.3(ZMYND8):c.2077_2079del (p.Lys693del)

Gene: ZMYND8 (zinc finger MYND-type containing 8; minus strand). Cytogenetic location: 20q13.12.
Variant type: Deletion.
Coding change: c.2077_2079del on transcript NM_001281775.3 (MANE Select); coding-DNA positions 2077 to 2079, 3 bases deleted (AAG; older notation c.2077_2079delAAG).
Protein change: p.Lys693del; deletes lysine 693.
Molecular consequence: inframe deletion.
Genome position (GRCh38, 1-based): chr20:47,246,213-47,246,215, CTT deleted on the plus strand (AAG on the coding strand, the reverse complement: ZMYND8 is on the minus strand); deleting any 3 consecutive bases within chr20:47,246,213-47,246,217 gives the same sequence; the c. name uses the placement nearest the transcript's 3' end. VCF-style (leftmost placement, unchanged base first): chr20-47246212-CCTT-C. GRCh37 (hg19) VCF-style: chr20-45874956-CCTT-C.
Other names: c.2002_2004del, p.Lys668del (NM_001281771.3, NM_001281777.3, NM_001281778.3 and 2 more transcripts); c.2017_2019del, p.Lys673del (NM_001281772.3, NM_001281773.3, NM_001281774.3 and 1 more transcripts); c.2077_2079del, p.Lys693del (NM_001281776.3, NM_001281783.3, NM_012408.6 and 1 more transcripts); c.1273_1275del, p.Lys425del (NM_001281779.3, NM_001281780.3); c.1861_1863del, p.Lys621del (NM_001281781.3, NM_001281784.3); c.2098_2100del, p.Lys700del (NM_001363714.1); short protein forms K621del, K668del, K700del, K693del, K673del, K425del.
Identifiers: ClinVar variation 5002849 (VCV005002849.1).